The following is an entry in ClinVar:

NM_000238.4(KCNH2):c.3356A>T (p.Glu1119Val)

Gene: KCNH2 (potassium voltage-gated channel subfamily H member 2; minus strand). Cytogenetic location: 7q36.1.
Variant type: single nucleotide variant.
Coding change: c.3356A>T on transcript NM_000238.4 (MANE Select); coding-DNA position 3356, A replaced by T.
Protein change: p.Glu1119Val; replaces glutamic acid 1119 with valine.
Molecular consequence: missense variant. On other transcripts: non-coding transcript variant (2).
Genome position (GRCh38, 1-based): chr7:150,945,489, T>A on the plus strand (A>T on the coding strand, the complement: KCNH2 is on the minus strand). VCF-style: chr7-150945489-T-A. GRCh37 (hg19) VCF-style: chr7-150642577-T-A.
Other names: c.3068A>T, p.Glu1023Val (NM_001406753.1); c.2336A>T, p.Glu779Val (NM_172057.3); short protein forms E1023V, E1119V, E779V.
Identifiers: ClinVar variation 4758671 (VCV004758671.1).
Genomic context (GRCh38, chr7:150,945,489, plus strand): 5'-GGTAGGGAGAGGCGTCGTGTGGGGCCTTCTTGGGGAAGCTCTGGGGCCCCCGGGGGCAGC[T>A]CCTCACACGCCATGAACTGGGAAACCTGCAATACACACAGAGCATGGGCAGGCGAAGAGG-3'
Protein context (NP_000229.1, residues 1109-1129): SQVSQFMACE[Glu1119Val]LPPGAPELPQ

ClinVar aggregate classification (germline): Uncertain significance (1 of 4 stars; one submission).

Conditions:
Cardiac arrhythmia. Also called: Arrhythmia; Cardiac rhythm disease. Identifiers: MedGen C0003811, MONDO:0007263, HP:0011675.

gnomAD v4.1: 5 of 1,556,034 alleles (0.00032%); highest among the groups gnomAD compares: Non-Finnish European, 0.00043%; no homozygotes.

Submission:

Color Diagnostics, LLC DBA Color Health
Classification: Uncertain significance for Cardiac arrhythmia. Last evaluated: 2025-08-22. Review status: criteria provided, single submitter. Criteria: ACMG Guidelines, 2015. Collection method: clinical testing. Allele origin: germline.
Comment: This missense variant replaces glutamic acid with valine at codon 1119 of the KCNH2 protein. Computational prediction is inconclusive regarding the impact of this variant on protein structure and function. To our knowledge, functional studies have not been reported for this variant. This variant has not been reported in individuals affected with KCNH2-related disorders in the literature. This variant has been identified in 1/194806 chromosomes in the general population by the Genome Aggregation Database (gnomAD). The available evidence is insufficient to determine the role of this variant in disease conclusively. Therefore, this variant is classified as a Variant of Uncertain Significance.